The following is an entry in ClinVar:

NM_001369369.1(FOXN1):c.697C>A (p.Gln233Lys)

Gene: FOXN1 (forkhead box N1; plus strand). Cytogenetic location: 17q11.2.
Variant type: single nucleotide variant.
Coding change: c.697C>A on transcript NM_001369369.1 (MANE Select); coding-DNA position 697, C replaced by A.
Protein change: p.Gln233Lys; replaces glutamine 233 with lysine.
Molecular consequence: missense variant.
Genome position (GRCh38, 1-based): chr17:28,527,359, C>A. VCF-style: chr17-28527359-C-A. GRCh37 (hg19) VCF-style: chr17-26854377-C-A.
Other names: c.697C>A, p.Gln233Lys (NM_003593.3); short protein forms Q233K.
Identifiers: ClinVar variation 4883401 (VCV004883401.2).
Genomic context (GRCh38, chr17:28,527,359, plus strand): 5'-ATGTTCTGCTACCAGCCTCCCTTGCAGCATATGTACTGCTCCTCCCAGCCCCCCTTCCAC[C>A]AGGTGGGTCTGGGGCAAGTGGGCCTGCTTCCCCCAGGTCTGAGGATATCGTGTGTGTGTA-3'
Protein context (NP_001356298.1, residues 223-243): MYCSSQPPFH[Gln233Lys]YSPGGGSYPI

ClinVar aggregate classification (germline): Uncertain significance (1 of 4 stars; one submission).

Conditions:
T-cell lymphopenia, infantile, with or without nail dystrophy, autosomal dominant. Identifiers: Orphanet 676039, MedGen C5394133, MONDO:0032928, OMIM 618806.

Submission:

Dasa
Classification: Uncertain significance for T-cell lymphopenia, infantile, with or without nail dystrophy, autosomal dominant. Last evaluated: 2025-05-05. Review status: criteria provided, single submitter. Criteria: DASA Assertion Criteria. Collection method: clinical testing. Allele origin: germline.
Comment: NM_001369369.1(FOXN1):c.697C>A (p.Gln233Lys) is a missense variant that results in the substitution of glutamine with lysine. This variant is rare in population databases. The currently available literature and clinical evidence are not sufficient to establish a definitive association between this variant and the reported condition. Therefore, this variant is classified as a variant of uncertain significance.